The following is an entry in ClinVar:

ClinVar aggregate classification (germline): Uncertain significance. Review status: criteria provided, multiple submitters, no conflicts (2 of 4 stars). 2 submissions from 2 submitters: Uncertain significance (2). Last evaluated 2025-07-03.

Conditions:
Hereditary cancer-predisposing syndrome. Also called: Tumor predisposition; Hereditary Cancer Syndrome; Neoplastic Syndromes, Hereditary; Hereditary neoplastic syndrome. Identifiers: Orphanet 140162, MedGen C0027672, MeSH D009386, MONDO:0015356.
Neuroblastoma, susceptibility to, 3. Also called: ALK-Related Neuroblastic Tumor Susceptibility. Identifiers: Orphanet 635, MedGen C2751681, MONDO:0013083, OMIM 613014.

Allele frequency attached by ClinVar (database versions not stated): gnomAD exomes below 0.00001.

Submissions (2):

Ambry Genetics
Classification: Uncertain significance for Hereditary cancer-predisposing syndrome. Last evaluated: 2025-07-03. Review status: criteria provided, single submitter. Criteria: Ambry Variant Classification Scheme 2023. Collection method: clinical testing. Allele origin: germline.
Comment: The p.M1071T variant (also known as c.3212T>C), located in coding exon 20 of the ALK gene, results from a T to C substitution at nucleotide position 3212. The methionine at codon 1071 is replaced by threonine, an amino acid with similar properties. This amino acid position is conserved. In addition, the in silico prediction for this alteration is inconclusive. Since supporting evidence is limited at this time, the clinical significance of this alteration remains unclear.

Labcorp Genetics (formerly Invitae), Labcorp
Classification: Uncertain significance for Neuroblastoma, susceptibility to, 3. Last evaluated: 2023-05-07. Review status: criteria provided, single submitter. Criteria: Invitae Variant Classification Sherloc (09022015). Collection method: clinical testing. Allele origin: germline.
Comment: In summary, the available evidence is currently insufficient to determine the role of this variant in disease. Therefore, it has been classified as a Variant of Uncertain Significance. An algorithm developed to predict the effect of missense changes on protein structure and function (PolyPhen-2) suggests that this variant is likely to be tolerated. ClinVar contains an entry for this variant (Variation ID: 862282). This variant has not been reported in the literature in individuals affected with ALK-related conditions. This variant is not present in population databases (gnomAD no frequency). This sequence change replaces methionine, which is neutral and non-polar, with threonine, which is neutral and polar, at codon 1071 of the ALK protein (p.Met1071Thr).

NM_004304.5(ALK):c.3212T>C (p.Met1071Thr)

Gene: ALK (ALK receptor tyrosine kinase; minus strand). Cytogenetic location: 2p23.2.
Variant type: single nucleotide variant.
Coding change: c.3212T>C on transcript NM_004304.5 (MANE Select); coding-DNA position 3212, T replaced by C.
Protein change: p.Met1071Thr; replaces methionine 1071 with threonine.
Molecular consequence: missense variant.
Genome position (GRCh38, 1-based): chr2:29,223,489, A>G on the plus strand (T>C on the coding strand, the complement: ALK is on the minus strand). VCF-style: chr2-29223489-A-G. GRCh37 (hg19) VCF-style: chr2-29446355-A-G.
Other names: c.8T>C, p.Met3Thr (NM_001353765.2); short protein forms M1071T, M3T.
Identifiers: ClinVar variation 862282 (VCV000862282.12), dbSNP rs1669865941, ClinGen allele CA346465544.